The following is an entry in ClinVar:

ClinVar aggregate classification (germline): Uncertain significance (1 of 4 stars; one submission).

Submission:

CeGaT Center for Human Genetics Tuebingen
Classification: Uncertain significance. Last evaluated: 2022-05-01. Review status: criteria provided, single submitter. Criteria: CeGaT Center For Human Genetics Tuebingen Variant Classification Criteria Version 2. Collection method: clinical testing. Allele origin: germline. Affected: yes. Observed: 1 variant allele.
Comment: NDUFS3: PM2

NM_004551.3(NDUFS3):c.297C>A (p.Phe99Leu)

Gene: NDUFS3 (NADH:ubiquinone oxidoreductase core subunit S3; plus strand). Cytogenetic location: 11p11.2.
Variant type: single nucleotide variant.
Coding change: c.297C>A on transcript NM_004551.3 (MANE Select); coding-DNA position 297, C replaced by A.
Protein change: p.Phe99Leu; replaces phenylalanine 99 with leucine.
Molecular consequence: missense variant.
Genome position (GRCh38, 1-based): chr11:47,580,900, C>A. VCF-style: chr11-47580900-C-A. GRCh37 (hg19) VCF-style: chr11-47602452-C-A.
Other names: short protein forms F99L.
Identifiers: ClinVar variation 2641768 (VCV002641768.24), dbSNP rs2509731155, ClinGen allele CA380358631.